The following is an entry in ClinVar:

ClinVar aggregate classification (germline): Uncertain significance (1 of 4 stars; one submission).

Allele frequency attached by ClinVar (database versions not stated): gnomAD 0.00001.
gnomAD v4.1: 1 of 1,612,578 alleles (0.000062%); highest among the groups gnomAD compares: African/African-American, 0.0013%; no homozygotes.

Submission:

Labcorp Genetics (formerly Invitae), Labcorp
Classification: Uncertain significance. Last evaluated: 2023-08-04. Review status: criteria provided, single submitter. Criteria: Invitae Variant Classification Sherloc (09022015). Collection method: clinical testing. Allele origin: germline.
Comment: In summary, the available evidence is currently insufficient to determine the role of this variant in disease. Therefore, it has been classified as a Variant of Uncertain Significance. Advanced modeling of protein sequence and biophysical properties (such as structural, functional, and spatial information, amino acid conservation, physicochemical variation, residue mobility, and thermodynamic stability) performed at Invitae indicates that this missense variant is not expected to disrupt MYO6 protein function. ClinVar contains an entry for this variant (Variation ID: 1911268). This variant has not been reported in the literature in individuals affected with MYO6-related conditions. This variant is present in population databases (no rsID available, gnomAD 0.01%). This sequence change replaces aspartic acid, which is acidic and polar, with histidine, which is basic and polar, at codon 1026 of the MYO6 protein (p.Asp1026His).

NM_004999.4(MYO6):c.3076G>C (p.Asp1026His)

Gene: MYO6 (myosin VI; plus strand). Cytogenetic location: 6q14.1.
Variant type: single nucleotide variant.
Coding change: c.3076G>C on transcript NM_004999.4 (MANE Select); coding-DNA position 3076, G replaced by C.
Protein change: p.Asp1026His; replaces aspartic acid 1026 with histidine.
Molecular consequence: missense variant. On other transcripts: non-coding transcript variant (1).
Genome position (GRCh38, 1-based): chr6:75,892,659, G>C. VCF-style: chr6-75892659-G-C. GRCh37 (hg19) VCF-style: chr6-76602376-G-C.
Other names: c.3076G>C, p.Asp1026His (NM_001300899.2, NM_001368136.1, NM_001368137.1 and 2 more transcripts); c.3061G>C, p.Asp1021His (NM_001368138.1); short protein forms D1026H, D1021H.
Identifiers: ClinVar variation 1911268 (VCV001911268.5), dbSNP rs1175999174, ClinGen allele CA364778564.